The following is an entry in ClinVar:

NM_032043.3(BRIP1):c.3251C>T (p.Thr1084Ile)

Gene: BRIP1 (BRCA1 interacting DNA helicase 1; minus strand). Cytogenetic location: 17q23.2.
Variant type: single nucleotide variant.
Coding change: c.3251C>T on transcript NM_032043.3 (MANE Select); coding-DNA position 3251, C replaced by T.
Protein change: p.Thr1084Ile; replaces threonine 1084 with isoleucine.
Molecular consequence: missense variant.
Genome position (GRCh38, 1-based): chr17:61,683,795, G>A on the plus strand (C>T on the coding strand, the complement: BRIP1 is on the minus strand). VCF-style: chr17-61683795-G-A. GRCh37 (hg19) VCF-style: chr17-59761156-G-A.
Other names: short protein forms T1084I.
Identifiers: ClinVar variation 233975 (VCV000233975.5), dbSNP rs876660768, ClinGen allele CA10580781.
Genomic context (GRCh38, chr17:61,683,795, plus strand): 5'-TCAATGTCTGGATCCAGGGCTTCTTCAGAACAGAGCGGATGTTCAGAATGATTTTTTCTA[G>A]TAAGGGTGGCATCAATCTTTAATGATGAAATAATGGTTTCTGATTGAGGGCATGATCCAA-3'
Protein context (NP_114432.2, residues 1074-1094): ISSLKIDATL[Thr1084Ile]RKNHSEHPLC

ClinVar aggregate classification (germline): Uncertain significance (1 of 4 stars; one submission).

Conditions:
Hereditary cancer-predisposing syndrome. Also called: Neoplastic Syndromes, Hereditary; Tumor predisposition; Hereditary Cancer Syndrome; Hereditary neoplastic syndrome. Identifiers: Orphanet 140162, MedGen C0027672, MeSH D009386, MONDO:0015356.

Submission:

Ambry Genetics
Classification: Uncertain significance for Hereditary cancer-predisposing syndrome. Last evaluated: 2015-09-18. Review status: criteria provided, single submitter. Criteria: Ambry Variant Classification Scheme 2023. Collection method: clinical testing. Allele origin: germline.
Comment: The p.T1084I variant (also known as c.3251C>T), located in coding exon 19 of the BRIP1 gene, results from a C to T substitution at nucleotide position 3251. The threonine at codon 1084 is replaced by isoleucine, an amino acid with similar properties. This variant was not reported in population based cohorts in the following databases: Database of Single Nucleotide Polymorphisms (dbSNP), NHLBI Exome Sequencing Project (ESP), and 1000 Genomes Project. In the ESP, this variant was not observed in 6502 samples (13004 alleles) with coverage at this position. To date, this alteration has been detected with an allele frequency of approximately 0.002% (greater than 65000 alleles tested) in our clinical cohort. This amino acid position is poorly conserved in available vertebrate species. In addition, this alteration is predicted to be tolerated by in silico analysis. Since supporting evidence is limited at this time, the clinical significance of p.T1084I remains unclear.